The following is an entry in ClinVar:

NM_012120.3(CD2AP):c.1877A>G (p.Glu626Gly)

Gene: CD2AP (CD2 associated protein; plus strand). Cytogenetic location: 6p12.3.
Variant type: single nucleotide variant.
Coding change: c.1877A>G on transcript NM_012120.3 (MANE Select); coding-DNA position 1877, A replaced by G.
Protein change: p.Glu626Gly; replaces glutamic acid 626 with glycine.
Molecular consequence: missense variant.
Genome position (GRCh38, 1-based): chr6:47,612,535, A>G. VCF-style: chr6-47612535-A-G. GRCh37 (hg19) VCF-style: chr6-47580271-A-G.
Other names: short protein forms E626G.
Identifiers: ClinVar variation 1698695 (VCV001698695.2), dbSNP rs2114154249, ClinGen allele CA363944462.

ClinVar aggregate classification (germline): drug response (0 of 4 stars; one submission).

Conditions:
Corticosteroids response. Also called: Corticosteroid response.

Submission:

Genetic Testing Lab, Ashok and Rita Patel Institute of Integrated Study and Research in Biotechnology and Allied Sciences
Classification: drug response for Corticosteroid response. Last evaluated: 2022-05-20. Review status: no assertion criteria provided. Collection method: research. Allele origin: somatic. Affected: yes. Observed: 37 variant alleles.
Comment: Depending upon patients response to standard corticosteroids therapy, they were classified to be either Steroid resistance(SRNS)(poor metabolizer) or steroid sensitive(SSNS)(likley responsive)